The following is an entry in ClinVar:

ClinVar aggregate classification (germline): Benign/Likely benign. Review status: criteria provided, multiple submitters, no conflicts (2 of 4 stars). 4 submissions from 4 submitters: Benign (2); Likely benign (2). Last evaluated 2025-10-01.

Conditions:
Koolen-de Vries syndrome (KDVS). Identifiers: Orphanet 96169, MedGen C1864871, MONDO:0012496, OMIM 610443.
Inborn genetic diseases. Identifiers: MedGen C0950123, MeSH D030342.

Allele frequency attached by ClinVar (database versions not stated): gnomAD exomes 0.00001 and 0.00004; ExAC 0.00004; gnomAD 0.00015 and 0.00016; TOPMed 0.00018; ESP Exome Variant Server 0.00031.
gnomAD v4.1: 39 of 1,614,064 alleles (0.0024%); highest among the groups gnomAD compares: African/African-American, 0.045%; no homozygotes.

Submissions (4):

CeGaT Center for Human Genetics Tuebingen
Classification: Likely benign. Last evaluated: 2025-10-01. Review status: criteria provided, single submitter. Criteria: CeGaT Center For Human Genetics Tuebingen Variant Classification Criteria Version 2. Collection method: clinical testing. Allele origin: germline. Affected: yes. Observed: 1 variant allele.
Comment: KANSL1: BP4

Ambry Genetics
Classification: Likely benign for Inborn genetic diseases. Last evaluated: 2025-03-06. Review status: criteria provided, single submitter. Criteria: Ambry Variant Classification Scheme 2023. Collection method: clinical testing. Allele origin: germline.

Labcorp Genetics (formerly Invitae), Labcorp
Classification: Benign for Koolen-de Vries syndrome. Last evaluated: 2024-11-11. Review status: criteria provided, single submitter. Criteria: Invitae Variant Classification Sherloc (09022015). Collection method: clinical testing. Allele origin: germline.

GeneDx
Classification: Benign. Last evaluated: 2020-09-01. Review status: criteria provided, single submitter. Criteria: GeneDx Variant Classification Process June 2021. Collection method: clinical testing. Allele origin: germline. Affected: yes.

NM_015443.4(KANSL1):c.949A>G (p.Ile317Val)

Gene: KANSL1 (KAT8 regulatory NSL complex subunit 1). Cytogenetic location: 17q21.31.
Variant type: single nucleotide variant.
Coding change: c.949A>G on transcript NM_015443.4 (MANE Select); coding-DNA position 949, A replaced by G.
Protein change: p.Ile317Val; replaces isoleucine 317 with valine.
Molecular consequence: missense variant.
Genome position (GRCh38, 1-based): chr17:46,171,195, T>C on the plus strand (A>G on the coding strand, the complement: KANSL1 is on the minus strand). VCF-style: chr17-46171195-T-C. GRCh37 (hg19) VCF-style: chr17-44248561-T-C.
Other names: c.949A>G, p.Ile317Val (NM_001193465.2, NM_001193466.2, NM_001379198.1); short protein forms I317V.
Identifiers: ClinVar variation 380254 (VCV000380254.22), dbSNP rs139843442, ClinGen allele CA8618919.